The following is an entry in ClinVar:

NM_002439.5(MSH3):c.1525T>C (p.Tyr509His)

Gene: MSH3 (mutS homolog 3; plus strand). Cytogenetic location: 5q14.1.
Variant type: single nucleotide variant.
Coding change: c.1525T>C on transcript NM_002439.5 (MANE Select); coding-DNA position 1525, T replaced by C.
Protein change: p.Tyr509His; replaces tyrosine 509 with histidine.
Molecular consequence: missense variant.
Genome position (GRCh38, 1-based): chr5:80,728,922, T>C. VCF-style: chr5-80728922-T-C. GRCh37 (hg19) VCF-style: chr5-80024741-T-C.
Other names: short protein forms Y509H.
Identifiers: ClinVar variation 4860325 (VCV004860325.1).

ClinVar aggregate classification (germline): Uncertain significance (1 of 4 stars; one submission).

Conditions:
Hereditary cancer-predisposing syndrome. Also called: Neoplastic Syndromes, Hereditary; Tumor predisposition; Hereditary Cancer Syndrome; Hereditary neoplastic syndrome. Identifiers: Orphanet 140162, MedGen C0027672, MeSH D009386, MONDO:0015356.

Submission:

Ambry Genetics
Classification: Uncertain significance for Hereditary cancer-predisposing syndrome. Last evaluated: 2026-03-29. Review status: criteria provided, single submitter. Criteria: Ambry Variant Classification Scheme 2023. Collection method: clinical testing. Allele origin: germline.
Comment: The p.Y509H variant (also known as c.1525T>C), located in coding exon 10 of the MSH3 gene, results from a T to C substitution at nucleotide position 1525. The tyrosine at codon 509 is replaced by histidine, an amino acid with similar properties. This amino acid position is conserved. In addition, this alteration is predicted to be deleterious by in silico analysis. Based on the available evidence, the clinical significance of this variant remains unclear.